The following is an entry in ClinVar:

ClinVar aggregate classification (germline): Likely benign (1 of 4 stars; one submission).

Submission:

CeGaT Center for Human Genetics Tuebingen
Classification: Likely benign. Last evaluated: 2025-05-01. Review status: criteria provided, single submitter. Criteria: CeGaT Center For Human Genetics Tuebingen Variant Classification Criteria Version 2. Collection method: clinical testing. Allele origin: germline. Affected: yes. Observed: 1 variant allele.
Comment: USP17L10: BP4, BP7

NM_001256852.1(USP17L10):c.423T>C (p.His141=)

Gene: USP17L10 (ubiquitin specific peptidase 17 like family member 10; plus strand). Cytogenetic location: 4p16.1.
Variant type: single nucleotide variant.
Coding change: c.423T>C on transcript NM_001256852.1 (MANE Select); coding-DNA position 423, T replaced by C.
Protein change: p.His141=; no amino-acid change (histidine 141 retained).
Molecular consequence: synonymous variant.
Genome position (GRCh38, 1-based): chr4:9,211,079, T>C. VCF-style: chr4-9211079-T-C. GRCh37 (hg19) VCF-style: chr4-9212805-T-C.
Identifiers: ClinVar variation 3904864 (VCV003904864.10).